The following is an entry in ClinVar:

ClinVar aggregate classification (germline): Uncertain significance (1 of 4 stars; one submission).

gnomAD v4.1: 2 of 1,614,244 alleles (0.00012%); highest among the groups gnomAD compares: Non-Finnish European, 0.00017%; no homozygotes.

Submission:

GeneDx
Classification: Uncertain significance. Last evaluated: 2026-01-31. Review status: criteria provided, single submitter. Criteria: GeneDx Variant Classification Process June 2021. Collection method: clinical testing. Allele origin: germline.
Comment: Not observed at significant frequency in large population cohorts (gnomAD); In silico analysis supports that this missense variant has a deleterious effect on protein structure/function; Has not been previously published as pathogenic or benign to our knowledge

NM_003128.3(SPTBN1):c.4520T>C (p.Leu1507Ser)

Gene: SPTBN1 (spectrin beta, non-erythrocytic 1; plus strand). Cytogenetic location: 2p16.2.
Variant type: single nucleotide variant.
Coding change: c.4520T>C on transcript NM_003128.3 (MANE Select); coding-DNA position 4520, T replaced by C.
Protein change: p.Leu1507Ser; replaces leucine 1507 with serine.
Molecular consequence: missense variant.
Genome position (GRCh38, 1-based): chr2:54,645,953, T>C. VCF-style: chr2-54645953-T-C. GRCh37 (hg19) VCF-style: chr2-54873090-T-C.
Other names: c.4481T>C, p.Leu1494Ser (NM_178313.3); short protein forms L1494S, L1507S.
Identifiers: ClinVar variation 4975930 (VCV004975930.1).